The following is an entry in ClinVar:

ClinVar aggregate classification (germline): Pathogenic. Review status: reviewed by expert panel (3 of 4 stars). 3 submissions from 3 submitters: Pathogenic (1). 2 of the submissions do not count toward it. Last evaluated 2016-10-18.

Conditions:
Hereditary breast ovarian cancer syndrome. Also called: Hereditary breast and ovarian cancer syndrome (HBOC); Breast and ovarian cancer; Hereditary breast and ovarian cancer syndrome; Hereditary breast and ovarian cancer; BRCA1- and BRCA2-Associated Hereditary Breast and Ovarian Cancer; Hereditary breast and/or ovarian cancer syndrome. Identifiers: Orphanet 145, MedGen C0677776, MeSH D061325, MONDO:0003582. Disease mechanism: loss of function.
Breast-ovarian cancer, familial, susceptibility to, 1 (BROVCA1). Also called: BRCA1 Hereditary Breast and Ovarian Cancer; OVARIAN CANCER, SUSCEPTIBILITY TO. Identifiers: Orphanet 145, MedGen C2676676, MONDO:0011450, OMIM 604370. Disease mechanism: loss of function.

Submissions (3):

Evidence-based Network for the Interpretation of Germline Mutant Alleles (ENIGMA)
Classification: Pathogenic for Breast-ovarian cancer, familial, susceptibility to, 1. Last evaluated: 2016-10-18. Review status: reviewed by expert panel. Criteria: ENIGMA BRCA1/2 Classification Criteria (2015). Collection method: curation. Allele origin: germline.
Comment: Variant allele predicted to encode a truncated non-functional protein.

Labcorp Genetics (formerly Invitae), Labcorp
Classification: Pathogenic for Hereditary breast ovarian cancer syndrome. Last evaluated: 2020-04-06. Review status: criteria provided, single submitter. Criteria: Invitae Variant Classification Sherloc (09022015). Collection method: clinical testing. Allele origin: germline. Not counted in ClinVar's aggregate classification.
Comment: This variant has been observed in an individual with high risk of breast and ovarian cancer (PMID: 29446198). ClinVar contains an entry for this variant (Variation ID: 266243). For these reasons, this variant has been classified as Pathogenic. Loss-of-function variants in BRCA1 are known to be pathogenic (PMID: 20104584). This variant is not present in population databases (ExAC no frequency). This sequence change creates a premature translational stop signal (p.Asn742*) in the BRCA1 gene. It is expected to result in an absent or disrupted protein product.

Consortium of Investigators of Modifiers of BRCA1/2 (CIMBA), c/o University of Cambridge
Classification: Pathogenic for Breast-ovarian cancer, familial, susceptibility to, 1. Last evaluated: 2015-10-02. Review status: criteria provided, single submitter. Criteria: CIMBA Mutation Classification guidelines May 2016. Collection method: clinical testing. Allele origin: germline. Not counted in ClinVar's aggregate classification.

Literature cited by the submitters: PubMed 29446198 (cited by Labcorp Genetics (formerly Invitae), Labcorp); PubMed 20104584 (cited by Labcorp Genetics (formerly Invitae), Labcorp).

NM_007294.4(BRCA1):c.2223dup (p.Asn742Ter)

Gene: BRCA1 (BRCA1 DNA repair associated; minus strand). Cytogenetic location: 17q21.31.
Variant type: Duplication.
Coding change: c.2223dup on transcript NM_007294.4 (MANE Select); coding-DNA position 2223, one base duplicated (T; older notation c.2223dupT).
Protein change: p.Asn742Ter; replaces asparagine 742 with a stop codon.
Molecular consequence: nonsense. On other transcripts: intron variant (137).
Genome position (GRCh38, 1-based): chr17:43,093,308, A duplicated on the plus strand (T on the coding strand, the reverse complement: BRCA1 is on the minus strand). VCF-style (leftmost placement, unchanged base first): chr17-43093307-T-TA. GRCh37 (hg19) VCF-style: chr17-41245324-T-TA.
Other names: 2342insT; c.2220dup, p.Asn741Ter (NM_001407634.1, NM_001407635.1, NM_001407636.1 and 22 more transcripts); c.2223dup, p.Asn742Ter (NM_001407639.1, NM_001407640.1, NM_001407641.1 and 30 more transcripts); c.2214dup, p.Asn739Ter (NM_001407646.1, NM_001407647.1); c.2100dup, p.Asn701Ter (NM_001407648.1, NM_001407664.1, NM_001407665.1 and 19 more transcripts); c.2097dup, p.Asn700Ter (NM_001407649.1, NM_001407670.1, NM_001407671.1 and 11 more transcripts); c.2145dup, p.Asn716Ter (NM_001407653.1, NM_001407654.1, NM_001407655.1 and 4 more transcripts); c.2142dup, p.Asn715Ter (NM_001407659.1, NM_001407660.1, NM_001407661.1 and 1 more transcripts); and 42 more; short protein forms N695*, N742*, N446*, N614*, N675*, N741*, N574*, N615*.
Identifiers: ClinVar variation 266243 (VCV000266243.14), dbSNP rs886040020, ClinGen allele CA10589870.